The following is an entry in ClinVar:

NM_000834.5(GRIN2B):c.2842T>C (p.Ser948Pro)

Gene: GRIN2B (glutamate ionotropic receptor NMDA type subunit 2B; minus strand). Cytogenetic location: 12p13.1.
Variant type: single nucleotide variant.
Coding change: c.2842T>C on transcript NM_000834.5 (MANE Select); coding-DNA position 2842, T replaced by C.
Protein change: p.Ser948Pro; replaces serine 948 with proline.
Molecular consequence: missense variant.
Genome position (GRCh38, 1-based): chr12:13,564,396, A>G on the plus strand (T>C on the coding strand, the complement: GRIN2B is on the minus strand). VCF-style: chr12-13564396-A-G. GRCh37 (hg19) VCF-style: chr12-13717330-A-G.
Other names: c.2842T>C, p.Ser948Pro (NM_001413992.1); short protein forms S948P.
Identifiers: ClinVar variation 5037194 (VCV005037194.1).

ClinVar aggregate classification (germline): Uncertain significance (1 of 4 stars; one submission).

Submission:

GeneDx
Classification: Uncertain significance. Last evaluated: 2026-04-14. Review status: criteria provided, single submitter. Criteria: GeneDx Variant Classification Process June 2021. Collection method: clinical testing. Allele origin: germline.
Comment: Not observed at significant frequency in large population cohorts (gnomAD); In silico analysis supports that this missense variant has a deleterious effect on protein structure/function; Has not been previously published as pathogenic or benign to our knowledge